The following is an entry in ClinVar:

NM_080680.3(COL11A2):c.1918-2A>G

Gene: COL11A2 (collagen type XI alpha 2 chain; minus strand). Cytogenetic location: 6p21.32.
Variant type: single nucleotide variant.
Coding change: c.1918-2A>G on transcript NM_080680.3 (MANE Select); the canonical splice acceptor site of the intron before coding-DNA position 1918, A replaced by G.
Molecular consequence: splice acceptor variant. On other transcripts: 5 prime UTR variant (1).
Genome position (GRCh38, 1-based): chr6:33,177,467, T>C on the plus strand (A>G on the coding strand, the complement: COL11A2 is on the minus strand). VCF-style: chr6-33177467-T-C. GRCh37 (hg19) VCF-style: chr6-33145244-T-C.
Other names: c.-131A>G (NM_001424112.1); c.892-2A>G (NM_001424111.1, NM_001424110.1); c.1597-2A>G (NM_080679.3); c.1660-2A>G (NM_080681.3); c.1738-2A>G (NM_001424108.1); c.1072-2A>G (NM_001424109.1).
Identifiers: ClinVar variation 5016527 (VCV005016527.1).

ClinVar aggregate classification (germline): Likely pathogenic (1 of 4 stars; one submission).

Conditions:
Monogenic hearing loss.

gnomAD v4.1: 1 of 1,612,840 alleles (0.000062%); highest among the groups gnomAD compares: Middle Eastern, 0.016%; no homozygotes.

Submission:

Genetics Laboratory, Great Ormond Street Hospital NHS Foundation Trust, North Thames Genomic Laboratory Hub
Classification: Likely pathogenic for Monogenic hearing loss. Last evaluated: 2026-08-13. Review status: criteria provided, single submitter. Criteria: ACGS Best Practice Guidelines for Variant Classification in Rare Disease 2024 v1.2. Collection method: clinical testing. Allele origin: germline. Affected: yes.
Comment: PM2_moderate, PVS1_strong, PM3_moderate